The following is an entry in ClinVar:

ClinVar aggregate classification (germline): Uncertain significance (1 of 4 stars; one submission).

Allele frequency attached by ClinVar (database versions not stated): gnomAD exomes 0.00001 and 0.00002; TOPMed 0.00001; ExAC 0.00002.

Submission:

Labcorp Genetics (formerly Invitae), Labcorp
Classification: Uncertain significance. Last evaluated: 2021-12-03. Review status: criteria provided, single submitter. Criteria: Invitae Variant Classification Sherloc (09022015). Collection method: clinical testing. Allele origin: germline.
Comment: This sequence change replaces lysine, which is basic and polar, with arginine, which is basic and polar, at codon 238 of the GHSR protein (p.Lys238Arg). This variant is present in population databases (rs748324067, gnomAD 0.01%). This variant has not been reported in the literature in individuals affected with GHSR-related conditions. Algorithms developed to predict the effect of missense changes on protein structure and function (SIFT, PolyPhen-2, Align-GVGD) all suggest that this variant is likely to be tolerated. In summary, the available evidence is currently insufficient to determine the role of this variant in disease. Therefore, it has been classified as a Variant of Uncertain Significance.

NM_198407.2(GHSR):c.713A>G (p.Lys238Arg)

Gene: GHSR (growth hormone secretagogue receptor; minus strand). Cytogenetic location: 3q26.31.
Variant type: single nucleotide variant.
Coding change: c.713A>G on transcript NM_198407.2 (MANE Select); coding-DNA position 713, A replaced by G.
Protein change: p.Lys238Arg; replaces lysine 238 with arginine.
Molecular consequence: missense variant.
Genome position (GRCh38, 1-based): chr3:172,447,701, T>C on the plus strand (A>G on the coding strand, the complement: GHSR is on the minus strand). VCF-style: chr3-172447701-T-C. GRCh37 (hg19) VCF-style: chr3-172165491-T-C.
Other names: c.713A>G, p.Lys238Arg (NM_004122.2); short protein forms K238R.
Identifiers: ClinVar variation 1484741 (VCV001484741.6), dbSNP rs748324067, ClinGen allele CA2706417.